The following is an entry in ClinVar:

NM_025077.4(TOE1):c.757C>T (p.Arg253Trp)

Gene: TOE1 (target of EGR1, exonuclease; plus strand). Cytogenetic location: 1p34.1.
Variant type: single nucleotide variant.
Coding change: c.757C>T on transcript NM_025077.4 (MANE Select); coding-DNA position 757, C replaced by T.
Protein change: p.Arg253Trp; replaces arginine 253 with tryptophan.
Molecular consequence: missense variant.
Genome position (GRCh38, 1-based): chr1:45,342,847, C>T. VCF-style: chr1-45342847-C-T. GRCh37 (hg19) VCF-style: chr1-45808519-C-T.
Other names: short protein forms R253W.
Identifiers: ClinVar variation 690338 (VCV000690338.4), dbSNP rs368182654, ClinGen allele CA826676.

ClinVar aggregate classification (germline): Uncertain significance. Review status: criteria provided, multiple submitters, no conflicts (2 of 4 stars). 3 submissions from 3 submitters: Uncertain significance (2). 1 of the submissions does not count toward it. Last evaluated 2023-06-13.

Conditions:
Pontocerebellar hypoplasia type 7. Identifiers: Orphanet 284339, MedGen C3554226, MONDO:0013993, OMIM 614969.
Inborn genetic diseases. Identifiers: MedGen C0950123, MeSH D030342.

Allele frequency attached by ClinVar (database versions not stated): gnomAD exomes 0.00001 and 0.00003; ExAC 0.00003; TOPMed 0.00003; gnomAD 0.00005; ESP Exome Variant Server 0.00008.

Submissions (3):

GeneDx
Classification: Uncertain significance. Last evaluated: 2023-06-13. Review status: criteria provided, single submitter. Criteria: GeneDx Variant Classification Process June 2021. Collection method: clinical testing. Allele origin: germline. Affected: yes.
Comment: In silico analysis supports that this missense variant has a deleterious effect on protein structure/function; Located within the DEDD deadenylase domain (Lardelli et al., 2017); This variant is associated with the following publications: (PMID: 28092684)

Ambry Genetics
Classification: Uncertain significance for Inborn genetic diseases. Last evaluated: 2021-08-09. Review status: criteria provided, single submitter. Criteria: Ambry Variant Classification Scheme 2023. Collection method: clinical testing. Allele origin: germline.

University of Washington Center for Mendelian Genomics, University of Washington
Classification: Likely pathogenic for Pontocerebellar Hypoplasia Type 7. Last evaluated: 2017-07-16. Review status: no assertion criteria provided. Collection method: research. Allele origin: unknown. Affected: yes. Not counted in ClinVar's aggregate classification.

Literature cited by the submitters: PubMed 28092684 (cited by University of Washington Center for Mendelian Genomics, University of Washington).